The following is an entry in ClinVar:

NM_006306.4(SMC1A):c.2478C>T (p.Asn826=)

Gene: SMC1A (structural maintenance of chromosomes 1A; minus strand). Cytogenetic location: Xp11.22.
Variant type: single nucleotide variant.
Coding change: c.2478C>T on transcript NM_006306.4 (MANE Select); coding-DNA position 2478, C replaced by T.
Protein change: p.Asn826=; no amino-acid change (asparagine 826 retained).
Molecular consequence: synonymous variant.
Genome position (GRCh38, 1-based): chrX:53,399,673, G>A on the plus strand (C>T on the coding strand, the complement: SMC1A is on the minus strand). VCF-style: chrX-53399673-G-A. GRCh37 (hg19) VCF-style: chrX-53426595-G-A.
Other names: c.2412C>T, p.Asn804= (NM_001281463.1).
Identifiers: ClinVar variation 2673236 (VCV002673236.23), dbSNP rs2520904832, ClinGen allele CA516559234.
Genomic context (GRCh38, chrX:53,399,673, plus strand): 5'-TTCATCTTTTTTCACTGTCTGCTCCCACATGTGTACTTTATCTTGGTCCTCCTTCAGTTG[G>A]TTCTTTTCAAAATCCAACTGAATGCCCAAGCGAGTCTTCTGATTCTCAAACTCCAAACTG-3'
Protein context (NP_006297.2, residues 816-836): RLGIQLDFEK[Asn826=]QLKEDQDKVH

ClinVar aggregate classification (germline): Likely benign (1 of 4 stars; one submission).

Submission:

CeGaT Center for Human Genetics Tuebingen
Classification: Likely benign. Last evaluated: 2023-11-01. Review status: criteria provided, single submitter. Criteria: CeGaT Center For Human Genetics Tuebingen Variant Classification Criteria Version 2. Collection method: clinical testing. Allele origin: germline. Affected: yes. Observed: 1 variant allele.
Comment: SMC1A: PM2:Supporting, BP4, BP7